The following is an entry in ClinVar:

NM_007294.4(BRCA1):c.5207T>C (p.Val1736Ala)

Gene: BRCA1 (BRCA1 DNA repair associated; minus strand). Cytogenetic location: 17q21.31.
Variant type: single nucleotide variant.
Coding change: c.5207T>C on transcript NM_007294.4 (MANE Select); coding-DNA position 5207, T replaced by C.
Protein change: p.Val1736Ala; replaces valine 1736 with alanine.
Molecular consequence: missense variant. On other transcripts: non-coding transcript variant (1).
Genome position (GRCh38, 1-based): chr17:43,057,122, A>G on the plus strand (T>C on the coding strand, the complement: BRCA1 is on the minus strand). VCF-style: chr17-43057122-A-G. GRCh37 (hg19) VCF-style: chr17-41209139-A-G.
Other names: p.V1736A:GTC>GCC; 5326T>C; c.5060T>C, p.Val1687Ala (NM_001407848.1, NM_001407849.1, NM_001407850.1 and 12 more transcripts); c.5207T>C, p.Val1736Ala (NM_001407854.1, NM_001407593.1, NM_001407594.1 and 7 more transcripts); c.5204T>C, p.Val1735Ala (NM_001407858.1, NM_001407859.1, NM_001407860.1 and 17 more transcripts); c.5201T>C, p.Val1734Ala (NM_001407861.1, NM_001407627.1, NM_001407628.1 and 14 more transcripts); c.5006T>C, p.Val1669Ala (NM_001407862.1); c.5003T>C, p.Val1668Ala (NM_001407863.1); and 74 more; short protein forms V1736A, V1757A, V632A, V1689A, V1567A, V1582A, V1607A, V1624A.
Identifiers: ClinVar variation 37648 (VCV000037648.52), dbSNP rs45553935, ClinGen allele CA003357.

ClinVar aggregate classification (germline): Pathogenic. Review status: reviewed by expert panel (3 of 4 stars). 26 submissions from 24 submitters: Pathogenic (1). 25 of the submissions do not count toward it. Last evaluated 2019-06-25.

Conditions:
Familial cancer of breast. Also called: Hereditary breast cancer; hereditary breast carcinoma; BREAST CANCER, FAMILIAL. Identifiers: Orphanet 227535, MedGen C0346153, MONDO:0016419, OMIM 114480. Disease mechanism: loss of function.
Breast-ovarian cancer, familial, susceptibility to, 1 (BROVCA1). Also called: OVARIAN CANCER, SUSCEPTIBILITY TO; BRCA1 Hereditary Breast and Ovarian Cancer. Identifiers: Orphanet 145, MedGen C2676676, MONDO:0011450, OMIM 604370. Disease mechanism: loss of function.
Fanconi anemia, complementation group S (FANCS). Identifiers: MedGen C4554406, MONDO:0054748, OMIM 617883.
BRCA1-related disorder. Also called: BRCA1-related condition.
Hereditary cancer-predisposing syndrome. Also called: Tumor predisposition; Neoplastic Syndromes, Hereditary; Hereditary Cancer Syndrome; Hereditary neoplastic syndrome. Identifiers: Orphanet 140162, MedGen C0027672, MeSH D009386, MONDO:0015356.
Hereditary breast ovarian cancer syndrome. Also called: Hereditary breast and ovarian cancer syndrome (HBOC); Hereditary breast and ovarian cancer syndrome; Hereditary breast and ovarian cancer; Hereditary breast and/or ovarian cancer syndrome; Breast and ovarian cancer; BRCA1- and BRCA2-Associated Hereditary Breast and Ovarian Cancer. Identifiers: Orphanet 145, MedGen C0677776, MeSH D061325, MONDO:0003582. Disease mechanism: loss of function.

Allele frequency attached by ClinVar (database versions not stated): gnomAD exomes 0.00001.
gnomAD v4.1: 13 of 1,613,984 alleles (0.00081%); highest among the groups gnomAD compares: Non-Finnish European, 0.001%; no homozygotes.

Submissions 1 to 8 of 27:

Evidence-based Network for the Interpretation of Germline Mutant Alleles (ENIGMA)
Classification: Pathogenic for Breast-ovarian cancer, familial, susceptibility to, 1. Last evaluated: 2019-06-25. Review status: reviewed by expert panel. Criteria: ENIGMA BRCA1/2 Classification Criteria (2017-06-29). Collection method: curation. Allele origin: germline.
Comment: IARC class based on posterior probability from multifactorial likelihood analysis, thresholds for class as per Plon et al. 2008 (PMID: 18951446). Class 5 Pathogenic based on posterior probability = 0.999.

Labcorp Genetics (formerly Invitae), Labcorp
Classification: Pathogenic for Hereditary breast ovarian cancer syndrome. Last evaluated: 2026-01-13. Review status: criteria provided, single submitter. Criteria: Invitae Variant Classification Sherloc (09022015). Collection method: clinical testing. Allele origin: germline. Not counted in ClinVar's aggregate classification.
Comment: This sequence change replaces valine, which is neutral and non-polar, with alanine, which is neutral and non-polar, at codon 1736 of the BRCA1 protein (p.Val1736Ala). This variant is not present in population databases (gnomAD no frequency). This missense change has been observed in individual(s) with breast, ovarian, and/or peritoneal cancer (PMID: 17308087, 23269703). It has also been observed to segregate with disease in related individuals. ClinVar contains an entry for this variant (Variation ID: 37648). Invitae Evidence Modeling incorporating data from in vitro experimental studies (PMID: 30209399) indicates that this missense variant is expected to disrupt BRCA1 function with a positive predictive value of 95%. Experimental studies have shown that this missense change affects BRCA1 function (PMID: 17308087, 20378548, 20516115, 23269703). For these reasons, this variant has been classified as Pathogenic.

PreventionGenetics, part of Exact Sciences
Classification: Pathogenic for BRCA1-related condition. Last evaluated: 2025-10-22. Review status: criteria provided, single submitter. Criteria: ACMG Guidelines, 2015. Collection method: clinical testing. Allele origin: germline. Not counted in ClinVar's aggregate classification.
Comment: The BRCA1 c.5207T>C variant is predicted to result in the amino acid substitution p.Val1736Ala. This variant has been observed in multiple individuals with breast and/or ovarian cancer (Additional file 3, Table S3, Akbari et al. 2011. PubMed ID: 21965345; Domcheck et al. 2013. PubMed ID: 23269703; Finch et al. 2015. PubMed ID: 26219728; Thompson et al. 2016. PubMed ID: 26786923). This variant has also been reported in trans with a pathogenic BRCA1 frameshift variant in an individual with early-onset ovarian cancer and findings suspicious for Fanconi Anemia (Domchek et al. 2013. PubMed ID: 23269703). Functional assays characterizing the effects of the c.5207T>C variant support pathogenicity (Coyne et al. 2004. PubMed ID: 15004537; Carvalho et al. 2007. PubMed ID: 17308087; Domcheck et al. 2013. PubMed ID: 23269703). This variant has not been reported in a large population database (gnomAD), indicating this variant is rare, and is reported as pathogenic in ClinVar (Variation ID: 37648). This variant is interpreted as pathogenic.

Quest Diagnostics Nichols Institute San Juan Capistrano
Classification: Pathogenic. Last evaluated: 2025-09-30. Review status: criteria provided, single submitter. Criteria: Quest Diagnostics criteria. Collection method: clinical testing. Allele origin: unknown. Not counted in ClinVar's aggregate classification.
Comment: This variant has not been reported in large, multi-ethnic general populations. In the published literature, the variant has been reported in individuals affected with hereditary breast and/or ovarian cancer (PMID: 23269703 (2013), 24240112 (2014), 25452441 (2015), 26219728 (2016), 26786923 (2016), 28283652 (2017), 30055521 (2018)). Pedigree analysis suggests this variant segregates with disease (PMID: 23269703 (2013)). Functional studies have shown that this variant has a deleterious effect on BRCA1 protein function (PMID: 20516115 (2010), 23269703 (2013), 23867111 (2013), 25748678 (2015), 30209399 (2018), 30765603 (2019), 35196514 (2022)). Based on the available information, this variant is classified as pathogenic.

Center for Genomic Medicine, Rigshospitalet, Copenhagen University Hospital
Classification: Pathogenic. Last evaluated: 2025-03-04. Review status: criteria provided, single submitter. Criteria: ACMG Guidelines, 2015. Collection method: clinical testing. Allele origin: germline. Not counted in ClinVar's aggregate classification.

Greenwood Genetic Center Diagnostic Laboratories, Greenwood Genetic Center
Classification: Pathogenic for Breast-ovarian cancer, familial, susceptibility to, 1. Last evaluated: 2024-09-18. Review status: criteria provided, single submitter. Criteria: ACMG Guidelines, 2015. Collection method: clinical testing. Allele origin: germline. Not counted in ClinVar's aggregate classification.
Comment: PS3, PM1, PM2, PP1, PM3_supporting

Color Diagnostics, LLC DBA Color Health
Classification: Pathogenic for Hereditary cancer-predisposing syndrome. Last evaluated: 2024-09-04. Review status: criteria provided, single submitter. Criteria: ACMG Guidelines, 2015. Collection method: clinical testing. Allele origin: germline. Not counted in ClinVar's aggregate classification.
Comment: This missense variant replaces valine with alanine at codon 1736 of the BRCA1 protein. Computational prediction suggests that this variant may have deleterious impact on protein structure and function. This variant has been reported to impart an intermediate to a full defect in BRCA1 function in homology-directed DNA repair, transcription activation, PARP inhibitor sensitivity and a haploid cell proliferation assays (PMID: 17305420, 17308087, 20516115, 23269703, 29884841, 30209399, 32546644, 35196514). This variant has been reported in several individuals and families affected with breast, ovarian, and peritoneal cancer (PMID: 17308087, 22476429, 23269703, 25452441, 26786923, 26219728, 33471991). It has been shown that this variant segregates with disease in two unrelated families (PMID: 23269703). A multifactorial analysis has reported a likelihood ratio for pathogenicity based on personal and family history of 0.652 from log(LR)=-0.186072066 for 10 carriers (PMID: 31853058). The totality of evidence indicates that this variant may be hypomorphic with incomplete penetrance and/or expressivity compared to conventional BRCA1 loss-of-function variants. This variant has not been identified in the general population by the Genome Aggregation Database (gnomAD). Based on the available evidence, this variant is classified as Pathogenic.

Baylor Genetics
Classification: Pathogenic for Breast-ovarian cancer, familial, susceptibility to, 1. Last evaluated: 2024-03-27. Review status: criteria provided, single submitter. Criteria: ACMG Guidelines, 2015. Collection method: clinical testing. Allele origin: unknown. Not counted in ClinVar's aggregate classification.